The following is an entry in ClinVar:

ClinVar aggregate classification (germline): Uncertain significance (1 of 4 stars; one submission).

Conditions:
Galactosylceramide beta-galactosidase deficiency. Also called: Leukodystrophy, Globoid Cell; Krabbe Disease; GALACTOCEREBROSIDASE DEFICIENCY; GALC DEFICIENCY; GLOBOID CELL LEUKOENCEPHALOPATHY. Identifiers: Orphanet 487, MedGen C0023521, MONDO:0009499, OMIM 245200.

Submission:

Labcorp Genetics (formerly Invitae), Labcorp
Classification: Uncertain significance for Galactosylceramide beta-galactosidase deficiency. Last evaluated: 2025-05-15. Review status: criteria provided, single submitter. Criteria: Invitae Variant Classification Sherloc (09022015). Collection method: clinical testing. Allele origin: germline.
Comment: This sequence change replaces valine, which is neutral and non-polar, with alanine, which is neutral and non-polar, at codon 246 of the GALC protein (p.Val246Ala). This variant is not present in population databases (gnomAD no frequency). This variant has not been reported in the literature in individuals affected with GALC-related conditions. Invitae Evidence Modeling of protein sequence and biophysical properties (such as structural, functional, and spatial information, amino acid conservation, physicochemical variation, residue mobility, and thermodynamic stability) indicates that this missense variant is not expected to disrupt GALC protein function with a negative predictive value of 95%. In summary, the available evidence is currently insufficient to determine the role of this variant in disease. Therefore, it has been classified as a Variant of Uncertain Significance.

NM_000153.4(GALC):c.737T>C (p.Val246Ala)

Gene: GALC (galactosylceramidase; minus strand). Cytogenetic location: 14q31.3.
Variant type: single nucleotide variant.
Coding change: c.737T>C on transcript NM_000153.4 (MANE Select); coding-DNA position 737, T replaced by C.
Protein change: p.Val246Ala; replaces valine 246 with alanine.
Molecular consequence: missense variant. On other transcripts: non-coding transcript variant (1).
Genome position (GRCh38, 1-based): chr14:87,976,373, A>G on the plus strand (T>C on the coding strand, the complement: GALC is on the minus strand). VCF-style: chr14-87976373-A-G. GRCh37 (hg19) VCF-style: chr14-88442717-A-G.
Other names: c.668T>C, p.Val223Ala (NM_001201401.2); c.659T>C, p.Val220Ala (NM_001201402.2); c.569T>C, p.Val190Ala (NM_001424071.1, NM_001424072.1, NM_001424073.1); c.389T>C, p.Val130Ala (NM_001424074.1, NM_001424075.1); c.104T>C, p.Val35Ala (NM_001424076.1, NM_001424077.1); short protein forms V130A, V190A, V220A, V223A, V246A, V35A.
Identifiers: ClinVar variation 4802022 (VCV004802022.1).